The following is an entry in ClinVar:

ClinVar aggregate classification (germline): Uncertain significance (1 of 4 stars; one submission).

Conditions:
Immunodeficiency 132A. Also called: Herpes simplex encephalitis, susceptibility to, 3. Identifiers: Orphanet 1930, MedGen C3553868, MONDO:0013920, OMIM 614849.

Allele frequency attached by ClinVar (database versions not stated): 1000 Genomes Project 0.00020; 1000 Genomes Project 30x 0.00031.
gnomAD v4.1: 11 of 1,613,160 alleles (0.00068%); highest among the groups gnomAD compares: East Asian, 0.0022%; no homozygotes.

Submission:

Labcorp Genetics (formerly Invitae), Labcorp
Classification: Uncertain significance for Immunodeficiency 132A. Last evaluated: 2023-07-12. Review status: criteria provided, single submitter. Criteria: Invitae Variant Classification Sherloc (09022015). Collection method: clinical testing. Allele origin: germline.
Comment: This sequence change replaces valine, which is neutral and non-polar, with methionine, which is neutral and non-polar, at codon 200 of the TRAF3 protein (p.Val200Met). The frequency data for this variant in the population databases is considered unreliable, as metrics indicate poor data quality at this position in the gnomAD database. This variant has not been reported in the literature in individuals affected with TRAF3-related conditions. ClinVar contains an entry for this variant (Variation ID: 2149546). An algorithm developed to predict the effect of missense changes on protein structure and function (PolyPhen-2) suggests that this variant is likely to be disruptive. In summary, the available evidence is currently insufficient to determine the role of this variant in disease. Therefore, it has been classified as a Variant of Uncertain Significance.

NM_145725.3(TRAF3):c.598G>A (p.Val200Met)

Genes: TRAF3 (TNF receptor associated factor 3; plus strand), LOC126862065 (BRD4-independent group 4 enhancer GRCh37_chr14:103352003-103353202; plus strand). Cytogenetic location: 14q32.32.
Variant type: single nucleotide variant.
Coding change: c.598G>A on transcript NM_145725.3 (MANE Select); coding-DNA position 598, G replaced by A.
Protein change: p.Val200Met; replaces valine 200 with methionine.
Molecular consequence: missense variant. On other transcripts: intron variant (2).
Genome position (GRCh38, 1-based): chr14:102,886,216, G>A. VCF-style: chr14-102886216-G-A. GRCh37 (hg19) VCF-style: chr14-103352553-G-A.
Other names: c.598G>A, p.Val200Met (NM_001385142.1, NM_003300.4, NM_145726.3); c.571-3344G>A (NM_001385143.1); c.570+9691G>A (NM_001199427.2); short protein forms V200M.
Identifiers: ClinVar variation 2149546 (VCV002149546.4), dbSNP rs540563941, ClinGen allele CA7359315.
Genomic context (GRCh38, chr14:102,886,216, plus strand): 5'-GTTTAAAGTTGATAGTACTTTCTCTCTCTGTAGAAACACGAAGACACCGACTGTCCCTGC[G>A]TGGTGGTGTCCTGCCCTCACAAGTGCAGCGTCCAGACTCTCCTGAGGAGCGAGGTAGGGG-3'
Protein context (NP_663777.1, residues 190-210): QKHEDTDCPC[Val200Met]VVSCPHKCSV